The following is an entry in ClinVar:

ClinVar aggregate classification (germline): Uncertain significance (1 of 4 stars; one submission).

Conditions:
Familial adenomatous polyposis 2. Also called: COLORECTAL ADENOMATOUS POLYPOSIS, AUTOSOMAL RECESSIVE; ADENOMAS, MULTIPLE COLORECTAL, AUTOSOMAL RECESSIVE; MUTYH-associated polyposis; FAP type 2; MUTYH-related attenuated familial adenomatous polyposis; Adenomas, multiple colorectal. Identifiers: Orphanet 220460, Orphanet 247798, MedGen C3272841, MONDO:0012041, OMIM 608456.

Submission:

Labcorp Genetics (formerly Invitae), Labcorp
Classification: Uncertain significance for Familial adenomatous polyposis 2. Last evaluated: 2021-08-26. Review status: criteria provided, single submitter. Criteria: Invitae Variant Classification Sherloc (09022015). Collection method: clinical testing. Allele origin: germline.
Comment: This sequence change replaces tyrosine with histidine at codon 104 of the MUTYH protein (p.Tyr104His). The tyrosine residue is highly conserved and there is a moderate physicochemical difference between tyrosine and histidine. This variant is not present in population databases (ExAC no frequency). This variant has not been reported in the literature in individuals affected with MUTYH-related conditions. Algorithms developed to predict the effect of missense changes on protein structure and function (SIFT, PolyPhen-2, Align-GVGD) all suggest that this variant is likely to be disruptive. In summary, the available evidence is currently insufficient to determine the role of this variant in disease. Therefore, it has been classified as a Variant of Uncertain Significance.

NM_001048174.2(MUTYH):c.226T>C (p.Tyr76His)

Gene: MUTYH (mutY DNA glycosylase; minus strand). Cytogenetic location: 1p34.1.
Variant type: single nucleotide variant.
Coding change: c.226T>C on transcript NM_001048174.2 (MANE Select); coding-DNA position 226, T replaced by C.
Protein change: p.Tyr76His; replaces tyrosine 76 with histidine.
Molecular consequence: missense variant. On other transcripts: 5 prime UTR variant (4), non-coding transcript variant (2).
Genome position (GRCh38, 1-based): chr1:45,333,451, A>G on the plus strand (T>C on the coding strand, the complement: MUTYH is on the minus strand). VCF-style: chr1-45333451-A-G. GRCh37 (hg19) VCF-style: chr1-45799123-A-G.
Other names: c.226T>C, p.Tyr76His (NM_001048171.2, NM_001048173.2, NM_001293195.2); c.229T>C, p.Tyr77His (NM_001048172.2); c.310T>C, p.Tyr104His (NM_001128425.2); c.271T>C, p.Tyr91His (NM_001293190.2); c.259T>C, p.Tyr87His (NM_001293191.2); c.-51T>C (NM_001293192.2, NM_001293196.2); c.-46T>C (NM_001350650.2, NM_001350651.2); c.301T>C, p.Tyr101His (NM_012222.3); short protein forms Y104H, Y101H, Y77H, Y91H, Y76H, Y87H.
Identifiers: ClinVar variation 464710 (VCV000464710.6), dbSNP rs1060501344, ClinGen allele CA340136406.
Genomic context (GRCh38, chr1:45,333,451, plus strand): 5'-TCCCTGCTCCTCGCCTGCCTACCCGTCTTCTCCATGGTAGGTCCCGTTTCTCTTGGTCGT[A>G]CCAGCTTAGCAGGCTCCCTCGGAAGGCTGTGACTTCAGCTACGTCTCTGAATAGATGGTA-3'
Protein context (NP_001041639.1, residues 66-86): TAFRGSLLSW[Tyr76His]DQEKRDLPWR